The following is an entry in ClinVar:

NM_001375808.2(LPIN2):c.350A>C (p.Asp117Ala)

Gene: LPIN2 (lipin 2; minus strand). Cytogenetic location: 18p11.31.
Variant type: single nucleotide variant.
Coding change: c.350A>C on transcript NM_001375808.2 (MANE Select); coding-DNA position 350, A replaced by C.
Protein change: p.Asp117Ala; replaces aspartic acid 117 with alanine.
Molecular consequence: missense variant.
Genome position (GRCh38, 1-based): chr18:2,951,295, T>G on the plus strand (A>C on the coding strand, the complement: LPIN2 is on the minus strand). VCF-style: chr18-2951295-T-G. GRCh37 (hg19) VCF-style: chr18-2951293-T-G.
Other names: c.350A>C, p.Asp117Ala (NM_001375809.1, NM_014646.2); short protein forms D117A.
Identifiers: ClinVar variation 1968792 (VCV001968792.5), dbSNP rs1598559756, ClinGen allele CA401709259.
Genomic context (GRCh38, chr18:2,951,295, plus strand): 5'-ATGTCTGAACTCTGAGATGGTGTTTCATCTCCACCCGATTTCACCAAAGGGGTGTCAATA[T>G]CTTTAAAGAACTGATCTTCAGTAGGAATTGGTGAGGTGGCAAGGTAAGCAGGAAGCTTTT-3'
Protein context (NP_001362737.1, residues 107-127): PIPTEDQFFK[Asp117Ala]IDTPLVKSGG

ClinVar aggregate classification (germline): Uncertain significance (1 of 4 stars; one submission).

Conditions:
Majeed syndrome (MJDS). Also called: LPIN2-Related Majeed Syndrome; CHRONIC RECURRENT MULTIFOCAL OSTEOMYELITIS 1, WITH CONGENITAL DYSERYTHROPOIETIC ANEMIA, WITH OR WITHOUT NEUTROPHILIC DERMATOSIS. Identifiers: Orphanet 77297, MedGen C1864997, MONDO:0012316, OMIM 609628.

Submission:

Labcorp Genetics (formerly Invitae), Labcorp
Classification: Uncertain significance for Majeed syndrome. Last evaluated: 2022-08-19. Review status: criteria provided, single submitter. Criteria: Invitae Variant Classification Sherloc (09022015). Collection method: clinical testing. Allele origin: germline.
Comment: Algorithms developed to predict the effect of missense changes on protein structure and function (SIFT, PolyPhen-2, Align-GVGD) all suggest that this variant is likely to be tolerated. This variant has not been reported in the literature in individuals affected with LPIN2-related conditions. This variant is not present in population databases (gnomAD no frequency). This sequence change replaces aspartic acid, which is acidic and polar, with alanine, which is neutral and non-polar, at codon 117 of the LPIN2 protein (p.Asp117Ala). In summary, the available evidence is currently insufficient to determine the role of this variant in disease. Therefore, it has been classified as a Variant of Uncertain Significance.